The following is an entry in ClinVar:

ClinVar aggregate classification (germline): Uncertain significance (1 of 4 stars; one submission).

Allele frequency attached by ClinVar (database versions not stated): gnomAD exomes below 0.00001.
gnomAD v4.1: 5 of 1,613,764 alleles (0.00031%); highest among the groups gnomAD compares: East Asian, 0.0045%; no homozygotes.

Submission:

GeneDx
Classification: Uncertain significance. Last evaluated: 2021-01-11. Review status: criteria provided, single submitter. Criteria: GeneDx Variant Classification Process June 2021. Collection method: clinical testing. Allele origin: germline. Affected: yes.
Comment: Not observed at a significant frequency in large population cohorts (Lek et al., 2016); In silico analysis supports that this missense variant does not alter protein structure/function; Has not been previously published as pathogenic or benign to our knowledge

NM_001382391.1(CSPP1):c.758C>T (p.Ala253Val)

Gene: CSPP1 (centrosome and spindle pole associated protein 1; plus strand). Cytogenetic location: 8q13.1.
Variant type: single nucleotide variant.
Coding change: c.758C>T on transcript NM_001382391.1 (MANE Select); coding-DNA position 758, C replaced by T.
Protein change: p.Ala253Val; replaces alanine 253 with valine.
Molecular consequence: missense variant. On other transcripts: 5 prime UTR variant (1).
Genome position (GRCh38, 1-based): chr8:67,095,567, C>T. VCF-style: chr8-67095567-C-T. GRCh37 (hg19) VCF-style: chr8-68007802-C-T.
Other names: c.-98C>T (NM_001291339.2); c.677C>T, p.Ala226Val (NM_001363131.2, NM_001363133.2); c.758C>T, p.Ala253Val (NM_001363132.2); c.866C>T, p.Ala289Val (NM_001364869.1); c.785C>T, p.Ala262Val (NM_001364870.1, NM_024790.7); short protein forms A226V, A253V, A262V, A289V.
Identifiers: ClinVar variation 1313807 (VCV001313807.2), dbSNP rs1402297390, ClinGen allele CA371191120.